The following is an entry in ClinVar:

NM_000400.4(ERCC2):c.1610C>T (p.Ala537Val)

Gene: ERCC2 (ERCC excision repair 2, TFIIH core complex helicase subunit; minus strand). Cytogenetic location: 19q13.32.
Variant type: single nucleotide variant.
Coding change: c.1610C>T on transcript NM_000400.4 (MANE Select); coding-DNA position 1610, C replaced by T.
Protein change: p.Ala537Val; replaces alanine 537 with valine.
Molecular consequence: missense variant.
Genome position (GRCh38, 1-based): chr19:45,354,785, G>A on the plus strand (C>T on the coding strand, the complement: ERCC2 is on the minus strand). VCF-style: chr19-45354785-G-A. GRCh37 (hg19) VCF-style: chr19-45858043-G-A.
Other names: short protein forms A537V.
Identifiers: ClinVar variation 1776380 (VCV001776380.3), dbSNP rs761322666, ClinGen allele CA308954695.

ClinVar aggregate classification (germline): Uncertain significance (1 of 4 stars; one submission).

Conditions:
Inborn genetic diseases. Identifiers: MedGen C0950123, MeSH D030342.

Allele frequency attached by ClinVar (database versions not stated): gnomAD exomes below 0.00001; gnomAD 0.00001; TOPMed 0.00001.
gnomAD v4.1: 2 of 1,613,960 alleles (0.00012%); highest among the groups gnomAD compares: African/African-American, 0.0013%; no homozygotes.

Submission:

Ambry Genetics
Classification: Uncertain significance for Inborn genetic diseases. Last evaluated: 2024-07-27. Review status: criteria provided, single submitter. Criteria: Ambry Variant Classification Scheme 2023. Collection method: clinical testing. Allele origin: germline.
Comment: The p.A537V variant (also known as c.1610C>T), located in coding exon 17 of the ERCC2 gene, results from a C to T substitution at nucleotide position 1610. The alanine at codon 537 is replaced by valine, an amino acid with similar properties. This amino acid position is conserved. In addition, the in silico prediction for this alteration is inconclusive. Since supporting evidence is limited at this time, the clinical significance of this alteration remains unclear.